The following is an entry in ClinVar:

ClinVar aggregate classification (germline): Uncertain significance (1 of 4 stars; one submission).

Conditions:
KDM3B-related disorder. Also called: KDM3B-related condition.

Submission:

PreventionGenetics, part of Exact Sciences
Classification: Uncertain significance for KDM3B-related condition. Last evaluated: 2025-04-02. Review status: criteria provided, single submitter. Criteria: ACMG Guidelines, 2015. Collection method: clinical testing. Allele origin: germline.
Comment: The KDM3B c.3029T>C variant is predicted to result in the amino acid substitution p.Met1010Thr. To our knowledge, this variant has not been reported in the literature or in a large population database (gnomAD), indicating this variant is rare. At this time, the clinical significance of this variant is uncertain due to the absence of conclusive functional and genetic evidence.

NM_016604.4(KDM3B):c.3029T>C (p.Met1010Thr)

Gene: KDM3B (lysine demethylase 3B; plus strand). Cytogenetic location: 5q31.2.
Variant type: single nucleotide variant.
Coding change: c.3029T>C on transcript NM_016604.4 (MANE Select); coding-DNA position 3029, T replaced by C.
Protein change: p.Met1010Thr; replaces methionine 1010 with threonine.
Molecular consequence: missense variant.
Genome position (GRCh38, 1-based): chr5:138,398,375, T>C. VCF-style: chr5-138398375-T-C. GRCh37 (hg19) VCF-style: chr5-137734064-T-C.
Other names: short protein forms M1010T.
Identifiers: ClinVar variation 4998366 (VCV004998366.1).
Genomic context (GRCh38, chr5:138,398,375, plus strand): 5'-TCCTGGCCAATGTTGGGGACCAGTTCTGCCAGCTCGTAATGTCTGAGAAGGAGGCCATGA[T>C]GATGGTGGAGCCACACCGTAAGTCACCTTCTCACTTGTCTTCCAGGTGCTCCTAGTGAAA-3'
Protein context (NP_057688.3, residues 1000-1020): QLVMSEKEAM[Met1010Thr]MVEPHQKVAW